The following is an entry in ClinVar:

ClinVar aggregate classification (germline): Likely benign (1 of 4 stars; one submission).

Submission:

CeGaT Center for Human Genetics Tuebingen
Classification: Likely benign. Last evaluated: 2026-06-01. Review status: criteria provided, single submitter. Criteria: CeGaT Center For Human Genetics Tuebingen Variant Classification Criteria Version 2. Collection method: clinical testing. Allele origin: germline. Affected: yes. Observed: 2 variant alleles.
Comment: RC3H1: BP4, BS2

NM_172071.4(RC3H1):c.-3G>A

Gene: RC3H1 (ring finger and CCCH-type domains 1; minus strand). Cytogenetic location: 1q25.1.
Variant type: single nucleotide variant.
Coding change: c.-3G>A on transcript NM_172071.4 (MANE Select); 3 bases upstream of the start codon, G replaced by A.
Molecular consequence: 5 prime UTR variant.
Genome position (GRCh38, 1-based): chr1:173,992,988, C>T on the plus strand (G>A on the coding strand, the complement: RC3H1 is on the minus strand). VCF-style: chr1-173992988-C-T. GRCh37 (hg19) VCF-style: chr1-173962126-C-T.
Other names: c.-3G>A (NM_001300850.1, NM_001300851.1, NM_001300852.1).
Identifiers: ClinVar variation 4533426 (VCV004533426.6).